The following is an entry in ClinVar:

NM_176887.2(TAS2R46):c.24T>A (p.Ile8=)

Genes: PRH1 (proline rich protein HaeIII subfamily 1; minus strand), PRH1-PRR4 (PRH1-PRR4 readthrough; minus strand), PRH1-TAS2R14 (PRH1-TAS2R14 readthrough; minus strand), TAS2R46 (taste 2 receptor member 46; minus strand). Cytogenetic location: 12p13.2.
Variant type: single nucleotide variant.
Coding change: c.24T>A on transcript NM_176887.2 (MANE Select); coding-DNA position 24, T replaced by A.
Protein change: p.Ile8=; no amino-acid change (isoleucine 8 retained).
Molecular consequence: synonymous variant. On other transcripts: intron variant (3).
Genome position (GRCh38, 1-based): chr12:11,062,271, A>T on the plus strand (T>A on the coding strand, the complement: TAS2R46 is on the minus strand). VCF-style: chr12-11062271-A-T. GRCh37 (hg19) VCF-style: chr12-11214870-A-T.
Other names: c.-133-15083T>A (NM_001291315.2, NM_001316893.2); c.-294-15083T>A (NM_001291314.2).
Identifiers: ClinVar variation 2642705 (VCV002642705.22), dbSNP rs200226376, ClinGen allele CA6451109.

ClinVar aggregate classification (germline): Likely benign (1 of 4 stars; one submission).

Allele frequency attached by ClinVar (database versions not stated): ExAC 0.00756.

Submission:

CeGaT Center for Human Genetics Tuebingen
Classification: Likely benign. Last evaluated: 2023-08-01. Review status: criteria provided, single submitter. Criteria: CeGaT Center For Human Genetics Tuebingen Variant Classification Criteria Version 2. Collection method: clinical testing. Allele origin: germline. Affected: yes. Observed: 1 variant allele.
Comment: TAS2R46: BP4, BP7